The following is an entry in ClinVar:

NM_000368.5(TSC1):c.1161T>C (p.Pro387=)

Gene: TSC1 (TSC complex subunit 1; minus strand). Cytogenetic location: 9q34.13.
Variant type: single nucleotide variant.
Coding change: c.1161T>C on transcript NM_000368.5 (MANE Select); coding-DNA position 1161, T replaced by C.
Protein change: p.Pro387=; no amino-acid change (proline 387 retained).
Molecular consequence: synonymous variant. On other transcripts: non-coding transcript variant (5).
Genome position (GRCh38, 1-based): chr9:132,910,673, A>G on the plus strand (T>C on the coding strand, the complement: TSC1 is on the minus strand). VCF-style: chr9-132910673-A-G. GRCh37 (hg19) VCF-style: chr9-135786060-A-G.
Other names: c.1161T>C, p.Pro387= (NM_001406601.1, NM_001406602.1, NM_001406605.1 and 7 more transcripts); c.1158T>C, p.Pro386= (NM_001406603.1, NM_001406604.1, NM_001406608.1 and 6 more transcripts); c.1008T>C, p.Pro336= (NM_001406610.1, NM_001162427.2); c.108T>C, p.Pro36= (NM_001406630.1, NM_001406629.1); c.798T>C, p.Pro266= (NM_001362177.2, NM_001406614.1, NM_001406615.1 and 5 more transcripts); c.1005T>C, p.Pro335= (NM_001406611.1, NM_001406612.1, NM_001406613.1); c.795T>C, p.Pro265= (NM_001406620.1, NM_001406621.1, NM_001406622.1 and 2 more transcripts); c.210T>C, p.Pro70= (NM_001406626.1); and 1 more.
Identifiers: ClinVar variation 2701407 (VCV002701407.10), dbSNP rs2538836664, ClinGen allele CA467593287.

ClinVar aggregate classification (germline): Likely benign. Review status: criteria provided, multiple submitters, no conflicts (2 of 4 stars). 3 submissions from 3 submitters: Likely benign (3). Last evaluated 2025-11-01.

Conditions:
Hereditary cancer-predisposing syndrome. Also called: Hereditary neoplastic syndrome; Neoplastic Syndromes, Hereditary; Tumor predisposition; Hereditary Cancer Syndrome. Identifiers: Orphanet 140162, MedGen C0027672, MeSH D009386, MONDO:0015356.
Tuberous sclerosis 1 (TSC1). Identifiers: Orphanet 805, MedGen C1854465, MONDO:0008612, OMIM 191100.

Submissions (3):

CeGaT Center for Human Genetics Tuebingen
Classification: Likely benign. Last evaluated: 2025-11-01. Review status: criteria provided, single submitter. Criteria: CeGaT Center For Human Genetics Tuebingen Variant Classification Criteria Version 2. Collection method: clinical testing. Allele origin: germline. Affected: yes. Observed: 1 variant allele.
Comment: TSC1: PM2:Supporting, BP4, BP7

Ambry Genetics
Classification: Likely benign for Hereditary cancer-predisposing syndrome. Last evaluated: 2024-07-09. Review status: criteria provided, single submitter. Criteria: Ambry Variant Classification Scheme 2023. Collection method: clinical testing. Allele origin: germline.

Labcorp Genetics (formerly Invitae), Labcorp
Classification: Likely benign for Tuberous sclerosis 1. Last evaluated: 2024-01-16. Review status: criteria provided, single submitter. Criteria: Invitae Variant Classification Sherloc (09022015). Collection method: clinical testing. Allele origin: germline.